The following is an entry in ClinVar:

ClinVar aggregate classification (germline): Uncertain significance (1 of 4 stars; one submission).

Conditions:
Congenital myasthenic syndrome 18. Also called: MYASTHENIC SYNDROME, CONGENITAL, 18, WITH INTELLECTUAL DISABILITY AND ATAXIA. Identifiers: Orphanet 590, MedGen C4225364, MONDO:0014590, OMIM 616330.

Allele frequency attached by ClinVar (database versions not stated): gnomAD exomes below 0.00001; TOPMed below 0.00001.

Submission:

Labcorp Genetics (formerly Invitae), Labcorp
Classification: Uncertain significance for Congenital myasthenic syndrome 18. Last evaluated: 2025-07-14. Review status: criteria provided, single submitter. Criteria: Invitae Variant Classification Sherloc (09022015). Collection method: clinical testing. Allele origin: germline.
Comment: This sequence change replaces methionine, which is neutral and non-polar, with lysine, which is basic and polar, at codon 146 of the SNAP25 protein (p.Met146Lys). This variant is present in population databases (no rsID available, gnomAD 0.002%). This variant has not been reported in the literature in individuals affected with SNAP25-related conditions. ClinVar contains an entry for this variant (Variation ID: 2742265). An algorithm developed to predict the effect of missense changes on protein structure and function (PolyPhen-2) suggests that this variant is likely to be disruptive. In summary, the available evidence is currently insufficient to determine the role of this variant in disease. Therefore, it has been classified as a Variant of Uncertain Significance.

NM_130811.4(SNAP25):c.437T>A (p.Met146Lys)

Gene: SNAP25 (synaptosome associated protein 25; plus strand). Cytogenetic location: 20p12.2.
Variant type: single nucleotide variant.
Coding change: c.437T>A on transcript NM_130811.4 (MANE Select); coding-DNA position 437, T replaced by A.
Protein change: p.Met146Lys; replaces methionine 146 with lysine.
Molecular consequence: missense variant.
Genome position (GRCh38, 1-based): chr20:10,299,297, T>A. VCF-style: chr20-10299297-T-A. GRCh37 (hg19) VCF-style: chr20-10279945-T-A.
Other names: c.437T>A, p.Met146Lys (NM_001322902.2, NM_001322903.2, NM_001322904.2 and 9 more transcripts); short protein forms M146K.
Identifiers: ClinVar variation 2742265 (VCV002742265.3), dbSNP rs1241334329, ClinGen allele CA408266507.